The following is an entry in ClinVar:

ClinVar aggregate classification (germline): Uncertain significance. Review status: criteria provided, multiple submitters, no conflicts (2 of 4 stars). 2 submissions from 2 submitters: Uncertain significance (2). Last evaluated 2026-09-11.

Conditions:
BICD2-related disorder. Also called: BICD2-related condition.
Autosomal dominant childhood-onset proximal spinal muscular atrophy with contractures (SMALED2A). Also called: SPINAL MUSCULAR ATROPHY, LOWER EXTREMITY-PREDOMINANT, 2A, CHILDHOOD ONSET, AUTOSOMAL DOMINANT; Spinal muscular atrophy, lower extremity-predominant, 2A, autosomal dominant. Identifiers: Orphanet 363447, Orphanet 363454, MedGen C4747715, MONDO:0014121, OMIM 615290.

Allele frequency attached by ClinVar (database versions not stated): gnomAD 0.00001 and 0.00002; gnomAD exomes 0.00001 and 0.00002; TOPMed 0.00002; ExAC 0.00003.

Submissions (2):

PreventionGenetics, part of Exact Sciences
Classification: Uncertain significance for BICD2-related condition. Last evaluated: 2026-09-11. Review status: criteria provided, single submitter. Criteria: ACMG Guidelines, 2015. Collection method: clinical testing. Allele origin: germline.
Comment: The BICD2 c.2419C>T variant is predicted to result in the amino acid substitution p.Arg807Trp. To our knowledge, this variant has not been reported in the literature. This variant is reported in 0.0054% of alleles in individuals of European (Non-Finnish) descent in gnomAD. At this time, the clinical significance of this variant is uncertain due to the absence of conclusive functional and genetic evidence.

Labcorp Genetics (formerly Invitae), Labcorp
Classification: Uncertain significance for Autosomal dominant childhood-onset proximal spinal muscular atrophy with contractures. Last evaluated: 2026-01-22. Review status: criteria provided, single submitter. Criteria: Invitae Variant Classification Sherloc (09022015). Collection method: clinical testing. Allele origin: germline.
Comment: This sequence change replaces arginine, which is basic and polar, with tryptophan, which is neutral and slightly polar, at codon 807 of the BICD2 protein (p.Arg807Trp). This variant is present in population databases (rs778940849, gnomAD 0.005%). This variant has not been reported in the literature in individuals affected with BICD2-related conditions. ClinVar contains an entry for this variant (Variation ID: 933578). Invitae Evidence Modeling of protein sequence and biophysical properties (such as structural, functional, and spatial information, amino acid conservation, physicochemical variation, residue mobility, and thermodynamic stability) indicates that this missense variant is not expected to disrupt BICD2 protein function with a negative predictive value of 80%. In summary, the available evidence is currently insufficient to determine the role of this variant in disease. Therefore, it has been classified as a Variant of Uncertain Significance.

NM_001003800.2(BICD2):c.2419C>T (p.Arg807Trp)

Gene: BICD2 (BICD cargo adaptor 2; minus strand). Cytogenetic location: 9q22.31.
Variant type: single nucleotide variant.
Coding change: c.2419C>T on transcript NM_001003800.2 (MANE Select); coding-DNA position 2419, C replaced by T.
Protein change: p.Arg807Trp; replaces arginine 807 with tryptophan.
Molecular consequence: missense variant.
Genome position (GRCh38, 1-based): chr9:92,715,303, G>A on the plus strand (C>T on the coding strand, the complement: BICD2 is on the minus strand). VCF-style: chr9-92715303-G-A. GRCh37 (hg19) VCF-style: chr9-95477585-G-A.
Other names: c.2419C>T, p.Arg807Trp (NM_015250.4); short protein forms R807W.
Identifiers: ClinVar variation 933578 (VCV000933578.10), dbSNP rs778940849, ClinGen allele CA5126308.